The following is an entry in ClinVar:

ClinVar aggregate classification (germline): Uncertain significance (1 of 4 stars; one submission).

Conditions:
Hereditary cancer-predisposing syndrome. Also called: Tumor predisposition; Neoplastic Syndromes, Hereditary; Hereditary neoplastic syndrome; Hereditary Cancer Syndrome. Identifiers: Orphanet 140162, MedGen C0027672, MeSH D009386, MONDO:0015356.

gnomAD v4.1: 1 of 1,614,178 alleles (0.000062%); highest among the groups gnomAD compares: Non-Finnish European, 0.000085%; no homozygotes.

Submission:

Ambry Genetics
Classification: Uncertain significance for Hereditary cancer-predisposing syndrome. Last evaluated: 2025-08-27. Review status: criteria provided, single submitter. Criteria: Ambry Variant Classification Scheme 2023. Collection method: clinical testing. Allele origin: germline.
Comment: The p.S371R variant (also known as c.1113C>G), located in coding exon 12 of the MUTYH gene, results from a C to G substitution at nucleotide position 1113. The serine at codon 371 is replaced by arginine, an amino acid with dissimilar properties. This amino acid position is conserved. In addition, this alteration is predicted to be tolerated by in silico analysis. Based on the available evidence, the clinical significance of this variant remains unclear.

NM_001048174.2(MUTYH):c.1029C>G (p.Ser343Arg)

Gene: MUTYH (mutY DNA glycosylase; minus strand). Cytogenetic location: 1p34.1.
Variant type: single nucleotide variant.
Coding change: c.1029C>G on transcript NM_001048174.2 (MANE Select); coding-DNA position 1029, C replaced by G.
Protein change: p.Ser343Arg; replaces serine 343 with arginine.
Molecular consequence: missense variant. On other transcripts: non-coding transcript variant (7).
Genome position (GRCh38, 1-based): chr1:45,331,734, G>C on the plus strand (C>G on the coding strand, the complement: MUTYH is on the minus strand). VCF-style: chr1-45331734-G-C. GRCh37 (hg19) VCF-style: chr1-45797406-G-C.
Other names: c.1029C>G, p.Ser343Arg (NM_001407089.1, NM_001048171.2, NM_001048173.2 and 6 more transcripts); c.753C>G, p.Ser251Arg (NM_001407091.1, NM_001293192.2, NM_001293196.2); c.1104C>G, p.Ser368Arg (NM_012222.3); c.1032C>G, p.Ser344Arg (NM_001048172.2, NM_001407078.1, NM_001407086.1 and 1 more transcripts); c.1113C>G, p.Ser371Arg (NM_001128425.2); c.1074C>G, p.Ser358Arg (NM_001293190.2); c.1062C>G, p.Ser354Arg (NM_001293191.2, NM_001407077.1, NM_001407069.1); c.990C>G, p.Ser330Arg (NM_001407079.1); and 5 more; short protein forms S228R, S358R, S251R, S315R, S350R, S354R, S329R, S343R.
Identifiers: ClinVar variation 4113031 (VCV004113031.1).